The following is an entry in ClinVar:

NM_003718.5(CDK13):c.4478G>T (p.Gly1493Val)

Gene: CDK13 (cyclin dependent kinase 13; plus strand). Cytogenetic location: 7p14.1.
Variant type: single nucleotide variant.
Coding change: c.4478G>T on transcript NM_003718.5 (MANE Select); coding-DNA position 4478, G replaced by T.
Protein change: p.Gly1493Val; replaces glycine 1493 with valine.
Molecular consequence: missense variant.
Genome position (GRCh38, 1-based): chr7:40,094,919, G>T. VCF-style: chr7-40094919-G-T. GRCh37 (hg19) VCF-style: chr7-40134518-G-T.
Other names: c.4298G>T, p.Gly1433Val (NM_031267.4); short protein forms G1433V, G1493V.
Identifiers: ClinVar variation 3897309 (VCV003897309.1).

ClinVar aggregate classification (germline): Uncertain significance (1 of 4 stars; one submission).

Submission:

GeneDx
Classification: Uncertain significance. Last evaluated: 2024-10-31. Review status: criteria provided, single submitter. Criteria: GeneDx Variant Classification Process June 2021. Collection method: clinical testing. Allele origin: germline. Affected: yes.
Comment: Not observed at significant frequency in large population cohorts (gnomAD); In silico analysis supports that this missense variant has a deleterious effect on protein structure/function; Has not been previously published as pathogenic or benign to our knowledge